The following is an entry in ClinVar:

ClinVar aggregate classification (germline): Uncertain significance (0 of 4 stars; one submission).

Conditions:
PLXNA3-related disorder. Also called: PLXNA3-related condition.

gnomAD v4.1: 6 of 1,209,522 alleles (0.0005%); highest among the groups gnomAD compares: African/African-American, 0.0087%; no homozygotes.

Submission:

PreventionGenetics, part of Exact Sciences
Classification: Uncertain significance for PLXNA3-related condition. Last evaluated: 2024-08-21. Review status: no assertion criteria provided. Collection method: clinical testing. Allele origin: germline.
Comment: The PLXNA3 c.5483A>G variant is predicted to result in the amino acid substitution p.Asn1828Ser. To our knowledge, this variant has not been reported in the literature. This variant is reported in 0.016% of alleles in individuals of African descent in gnomAD. At this time, the clinical significance of this variant is uncertain due to the absence of conclusive functional and genetic evidence.

NM_017514.5(PLXNA3):c.5483A>G (p.Asn1828Ser)

Gene: PLXNA3 (plexin A3; plus strand). Cytogenetic location: Xq28.
Variant type: single nucleotide variant.
Coding change: c.5483A>G on transcript NM_017514.5 (MANE Select); coding-DNA position 5483, A replaced by G.
Protein change: p.Asn1828Ser; replaces asparagine 1828 with serine.
Molecular consequence: missense variant.
Genome position (GRCh38, 1-based): chrX:154,471,601, A>G. VCF-style: chrX-154471601-A-G. GRCh37 (hg19) VCF-style: chrX-153699944-A-G.
Other names: short protein forms N1828S.
Identifiers: ClinVar variation 3351531 (VCV003351531.1).